The following is an entry in ClinVar:

ClinVar aggregate classification (germline): Uncertain significance (1 of 4 stars; one submission).

Submission:

Labcorp Genetics (formerly Invitae), Labcorp
Classification: Uncertain significance. Last evaluated: 2023-09-29. Review status: criteria provided, single submitter. Criteria: Invitae Variant Classification Sherloc (09022015). Collection method: clinical testing. Allele origin: germline.
Comment: Experimental studies and prediction algorithms are not available or were not evaluated, and the functional significance of this variant is currently unknown. In summary, the available evidence is currently insufficient to determine the role of this variant in disease. Therefore, it has been classified as a Variant of Uncertain Significance. This variant is present in population databases (rs775885155, gnomAD 0.004%). This variant, c.873_878del, results in the deletion of 2 amino acid(s) of the GEN1 protein (p.Asp291_Tyr292del), but otherwise preserves the integrity of the reading frame. This variant has not been reported in the literature in individuals affected with GEN1-related conditions. ClinVar contains an entry for this variant (Variation ID: 999172).

NM_001130009.3(GEN1):c.873_878del (p.Asp291_Tyr292del)

Gene: GEN1 (GEN1 structure-specific endonuclease; plus strand). Cytogenetic location: 2p24.2.
Variant type: Deletion.
Coding change: c.873_878del on transcript NM_001130009.3 (MANE Select); coding-DNA positions 873 to 878, 6 bases deleted (CTATGA; older notation c.873_878delCTATGA).
Protein change: p.Asp291_Tyr292del.
Molecular consequence: inframe deletion.
Genome position (GRCh38, 1-based): chr2:17,772,704-17,772,709, CTATGA deleted; deleting any 6 consecutive bases within chr2:17,772,700-17,772,709 gives the same sequence; the c. name uses the placement nearest the transcript's 3' end. VCF-style (leftmost placement, unchanged base first): chr2-17772699-CATGACT-C. GRCh37 (hg19) VCF-style: chr2-17953966-CATGACT-C.
Other names: c.873_878del, p.Asp291_Tyr292del (NM_182625.5).
Identifiers: ClinVar variation 999172 (VCV000999172.8), dbSNP rs775885155, ClinGen allele CA1540585.